The following is an entry in ClinVar:

ClinVar aggregate classification (germline): Uncertain significance. Review status: criteria provided, multiple submitters, no conflicts (2 of 4 stars). 3 submissions from 3 submitters: Uncertain significance (3). Last evaluated 2025-07-15.

Conditions:
Sucrase-isomaltase deficiency (CSID). Also called: SI DEFICIENCY; Deficiency of isomaltase; Congenital sucrose isomaltose malabsorption; Sucrose isomaltose enzyme deficiency. Identifiers: Orphanet 35122, MedGen C1283620, MONDO:0009114, OMIM 222900.
Inborn genetic diseases. Identifiers: MedGen C0950123, MeSH D030342.

Allele frequency attached by ClinVar (database versions not stated): TOPMed below 0.00001; gnomAD 0.00001; ExAC 0.00005; gnomAD exomes 0.00005.
gnomAD v4.1: 43 of 1,612,354 alleles (0.0027%); highest among the groups gnomAD compares: South Asian, 0.0011%; no homozygotes.

Submissions (3):

Ambry Genetics
Classification: Uncertain significance for Inborn genetic diseases. Last evaluated: 2025-07-15. Review status: criteria provided, single submitter. Criteria: Ambry Variant Classification Scheme 2023. Collection method: clinical testing. Allele origin: germline.

Labcorp Genetics (formerly Invitae), Labcorp
Classification: Uncertain significance. Last evaluated: 2022-07-06. Review status: criteria provided, single submitter. Criteria: Invitae Variant Classification Sherloc (09022015). Collection method: clinical testing. Allele origin: germline.
Comment: This sequence change replaces alanine, which is neutral and non-polar, with valine, which is neutral and non-polar, at codon 599 of the SI protein (p.Ala599Val). This variant is present in population databases (rs747388124, gnomAD 0.04%). This variant has not been reported in the literature in individuals affected with SI-related conditions. ClinVar contains an entry for this variant (Variation ID: 344049). Advanced modeling of protein sequence and biophysical properties (such as structural, functional, and spatial information, amino acid conservation, physicochemical variation, residue mobility, and thermodynamic stability) performed at Invitae indicates that this missense variant is expected to disrupt SI protein function. In summary, the available evidence is currently insufficient to determine the role of this variant in disease. Therefore, it has been classified as a Variant of Uncertain Significance.

Illumina Laboratory Services, Illumina
Classification: Uncertain significance for Sucrase-isomaltase deficiency. Last evaluated: 2018-01-12. Review status: criteria provided, single submitter. Criteria: ICSL Variant Classification Criteria 13 December 2019. Collection method: clinical testing. Allele origin: germline.

NM_001041.4(SI):c.1796C>T (p.Ala599Val)

Gene: SI (sucrase-isomaltase; minus strand). Cytogenetic location: 3q26.1.
Variant type: single nucleotide variant.
Coding change: c.1796C>T on transcript NM_001041.4 (MANE Select); coding-DNA position 1796, C replaced by T.
Protein change: p.Ala599Val; replaces alanine 599 with valine.
Molecular consequence: missense variant.
Genome position (GRCh38, 1-based): chr3:165,046,932, G>A on the plus strand (C>T on the coding strand, the complement: SI is on the minus strand). VCF-style: chr3-165046932-G-A. GRCh37 (hg19) VCF-style: chr3-164764720-G-A.
Other names: short protein forms A599V.
Identifiers: ClinVar variation 344049 (VCV000344049.13), dbSNP rs747388124, ClinGen allele CA2690943.